The following is an entry in ClinVar:

ClinVar aggregate classification (germline): Likely benign (1 of 4 stars; one submission).

Conditions:
MXRA8-related disorder. Also called: MXRA8-related condition.

gnomAD v4.1: 153 of 1,612,544 alleles (0.0095%); highest among the groups gnomAD compares: African/African-American, 0.19%; no homozygotes.

Submission:

PreventionGenetics, part of Exact Sciences
Classification: Likely benign for MXRA8-related condition. Last evaluated: 2025-06-30. Review status: criteria provided, single submitter. Criteria: ACMG Guidelines, 2015. Collection method: clinical testing. Allele origin: germline.
Comment: This variant is classified as likely benign based on ACMG/AMP sequence variant interpretation guidelines (Richards et al. 2015 PMID: 25741868, with internal and published modifications).

NM_032348.4(MXRA8):c.1119G>T (p.Ser373=)

Gene: MXRA8 (matrix remodeling associated 8; minus strand). Cytogenetic location: 1p36.33.
Variant type: single nucleotide variant.
Coding change: c.1119G>T on transcript NM_032348.4 (MANE Select); coding-DNA position 1119, G replaced by T.
Protein change: p.Ser373=; no amino-acid change (serine 373 retained).
Molecular consequence: synonymous variant.
Genome position (GRCh38, 1-based): chr1:1,354,219, C>A on the plus strand (G>T on the coding strand, the complement: MXRA8 is on the minus strand). VCF-style: chr1-1354219-C-A. GRCh37 (hg19) VCF-style: chr1-1289599-C-A.
Other names: c.1119G>T, p.Ser373= (NM_001282582.2, NM_001282585.1); c.1092G>T, p.Ser364= (NM_001282583.2); c.816G>T, p.Ser272= (NM_001282584.2).
Identifiers: ClinVar variation 4981945 (VCV004981945.1).